The following is an entry in ClinVar:

NM_001386135.1(AFF3):c.1913G>T (p.Arg638Leu)

Gene: AFF3 (ALF transcription elongation factor 3; minus strand). Cytogenetic location: 2q11.2.
Variant type: single nucleotide variant.
Coding change: c.1913G>T on transcript NM_001386135.1 (MANE Select); coding-DNA position 1913, G replaced by T.
Protein change: p.Arg638Leu; replaces arginine 638 with leucine.
Molecular consequence: missense variant.
Genome position (GRCh38, 1-based): chr2:99,593,748, C>A on the plus strand (G>T on the coding strand, the complement: AFF3 is on the minus strand). VCF-style: chr2-99593748-C-A. GRCh37 (hg19) VCF-style: chr2-100210210-C-A.
Other names: c.1988G>T, p.Arg663Leu (NM_001025108.2); c.1913G>T, p.Arg638Leu (NM_002285.3); short protein forms R638L, R663L.
Identifiers: ClinVar variation 4531868 (VCV004531868.1).

ClinVar aggregate classification (germline): Uncertain significance (1 of 4 stars; one submission).

Conditions:
KINSSHIP syndrome. Also called: MESOMELIC DYSPLASIA, STEICHEN-GERSDORF TYPE; MESOMELIC DYSPLASIA, AFF3-RELATED. Identifiers: MedGen C5543317, MONDO:0851095, OMIM 619297.

Submission:

Victorian Clinical Genetics Services, Murdoch Childrens Research Institute
Classification: Uncertain significance for KINSSHIP syndrome. Last evaluated: 2024-12-19. Review status: criteria provided, single submitter. Criteria: ACMG Guidelines, 2015. Collection method: clinical testing. Allele origin: germline. Affected: yes.
Comment: This variant is classified as VUS-3B. Evidence in support of pathogenic classification: Variant is absent from gnomAD (v2, v3 and v4); Additional information: Variant is predicted to result in a missense amino acid change from arginine to leucine; This variant is heterozygous; This gene is associated with autosomal dominant disease; Alternative amino acid change(s) at the same position are present in gnomAD (Highest alelle count: v4: 11 heterozygote(s), 0 homozygote(s)) - This variant has no previous evidence of pathogenicity; No published segregation evidence has been identified for this variant; No published functional evidence has been identified for this variant; No comparable missense variants have previous evidence for pathogenicity; Variant is not located in an established domain, motif, hotspot or informative constraint region; Missense variant with inconclusive in silico prediction and uninformative conservation; The mechanism of disease for this gene is not clearly established. Dominant negative has been suggested a mechanism of disease for variants affecting the degron motif (PMIDs: 33961779, 38811945).

Literature cited by the submitters: PubMed 33961779; PubMed 38811945.